The following is an entry in ClinVar:

NM_006267.5(RANBP2):c.771A>T (p.Glu257Asp)

Gene: RANBP2 (RAN binding protein 2; plus strand). Cytogenetic location: 2q13.
Variant type: single nucleotide variant.
Coding change: c.771A>T on transcript NM_006267.5 (MANE Select); coding-DNA position 771, A replaced by T.
Protein change: p.Glu257Asp; replaces glutamic acid 257 with aspartic acid.
Molecular consequence: missense variant.
Genome position (GRCh38, 1-based): chr2:108,736,238, A>T. VCF-style: chr2-108736238-A-T. GRCh37 (hg19) VCF-style: chr2-109352694-A-T.
Other names: short protein forms E257D.
Identifiers: ClinVar variation 641964 (VCV000641964.6), dbSNP rs761240246, ClinGen allele CA1822121.

ClinVar aggregate classification (germline): Uncertain significance (1 of 4 stars; one submission).

Conditions:
Familial acute necrotizing encephalopathy (IIAE3). Also called: Susceptibility to Acute Necrotizing Encephalopathy 1; ENCEPHALOPATHY, ACUTE, INFECTION-INDUCED, SUSCEPTIBILITY TO, 3. Identifiers: Orphanet 88619, MedGen C2675556, MONDO:0011953, OMIM 608033.

Allele frequency attached by ClinVar (database versions not stated): ExAC 0.00001; gnomAD exomes 0.00001; TOPMed 0.00001; gnomAD 0.00002.
gnomAD v4.1: 7 of 1,611,888 alleles (0.00043%); highest among the groups gnomAD compares: Admixed American, 0.0033%; no homozygotes.

Submission:

Labcorp Genetics (formerly Invitae), Labcorp
Classification: Uncertain significance for Familial acute necrotizing encephalopathy. Last evaluated: 2018-11-01. Review status: criteria provided, single submitter. Criteria: Invitae Variant Classification Sherloc (09022015). Collection method: clinical testing. Allele origin: germline.
Comment: In summary, the available evidence is currently insufficient to determine the role of this variant in disease. Therefore, it has been classified as a Variant of Uncertain Significance. Algorithms developed to predict the effect of missense changes on protein structure and function output the following: SIFT: "Deleterious"; PolyPhen-2: "Benign"; Align-GVGD: "Class C35". The aspartic acid amino acid residue is found in multiple mammalian species, suggesting that this missense change does not adversely affect protein function. These predictions have not been confirmed by published functional studies and their clinical significance is uncertain. This variant has not been reported in the literature in individuals with RANBP2-related disease. This variant is present in population databases (rs761240246, ExAC no frequency). This sequence change replaces glutamic acid with aspartic acid at codon 257 of the RANBP2 protein (p.Glu257Asp). The glutamic acid residue is highly conserved and there is a small physicochemical difference between glutamic acid and aspartic acid.